The following is an entry in ClinVar:

NM_001080453.3(INTS1):c.3315G>A (p.Ser1105=)

Gene: INTS1 (integrator complex subunit 1; minus strand). Cytogenetic location: 7p22.3.
Variant type: single nucleotide variant.
Coding change: c.3315G>A on transcript NM_001080453.3 (MANE Select); coding-DNA position 3315, G replaced by A.
Protein change: p.Ser1105=; no amino-acid change (serine 1105 retained).
Molecular consequence: synonymous variant.
Genome position (GRCh38, 1-based): chr7:1,484,117, C>T on the plus strand (G>A on the coding strand, the complement: INTS1 is on the minus strand). VCF-style: chr7-1484117-C-T. GRCh37 (hg19) VCF-style: chr7-1523753-C-T.
Identifiers: ClinVar variation 2657200 (VCV002657200.25), dbSNP rs191760411, ClinGen allele CA4119367.

ClinVar aggregate classification (germline): Likely benign. Review status: criteria provided, multiple submitters, no conflicts (2 of 4 stars). 2 submissions from 2 submitters: Likely benign (2). Last evaluated 2024-07-05.

Allele frequency attached by ClinVar (database versions not stated): gnomAD exomes 0.00009; ExAC 0.00021; ESP Exome Variant Server 0.00063; gnomAD 0.00075; TOPMed 0.00079; 1000 Genomes Project 30x 0.00094; 1000 Genomes Project 0.00100.
gnomAD v4.1: 248 of 1,612,366 alleles (0.015%); highest among the groups gnomAD compares: African/African-American, 0.29%; no homozygotes.

Submissions (2):

Blueprint Genetics
Classification: Likely benign. Last evaluated: 2024-07-05. Review status: criteria provided, single submitter. Criteria: ACMG Guidelines, 2015. Collection method: clinical testing. Allele origin: germline.

CeGaT Center for Human Genetics Tuebingen
Classification: Likely benign. Last evaluated: 2023-05-01. Review status: criteria provided, single submitter. Criteria: CeGaT Center For Human Genetics Tuebingen Variant Classification Criteria Version 2. Collection method: clinical testing. Allele origin: germline. Affected: yes. Observed: 1 variant allele.
Comment: INTS1: BP4, BP7